The following is an entry in ClinVar:

NM_022124.6(CDH23):c.7919A>G (p.Lys2640Arg)

Genes: CDH23 (cadherin related 23; plus strand), LOC111982869 (Sharpr-MPRA regulatory region 2121; plus strand). Cytogenetic location: 10q22.1.
Variant type: single nucleotide variant.
Coding change: c.7919A>G on transcript NM_022124.6 (MANE Select); coding-DNA position 7919, A replaced by G.
Protein change: p.Lys2640Arg; replaces lysine 2640 with arginine.
Molecular consequence: missense variant.
Genome position (GRCh38, 1-based): chr10:71,805,852, A>G. VCF-style: chr10-71805852-A-G. GRCh37 (hg19) VCF-style: chr10-73565609-A-G.
Other names: c.1199A>G, p.Lys400Arg (NM_001171933.1, NM_001171934.1); short protein forms K2640R, K400R.
Identifiers: ClinVar variation 2087140 (VCV002087140.4), dbSNP rs778556511, ClinGen allele CA5546480.

ClinVar aggregate classification (germline): Uncertain significance (1 of 4 stars; one submission).

Allele frequency attached by ClinVar (database versions not stated): gnomAD exomes below 0.00001; ExAC 0.00001.
gnomAD v4.1: 1 of 1,613,814 alleles (0.000062%); highest among the groups gnomAD compares: South Asian, 0.0011%; no homozygotes.

Submission:

Labcorp Genetics (formerly Invitae), Labcorp
Classification: Uncertain significance. Last evaluated: 2022-08-06. Review status: criteria provided, single submitter. Criteria: Invitae Variant Classification Sherloc (09022015). Collection method: clinical testing. Allele origin: germline.
Comment: In summary, the available evidence is currently insufficient to determine the role of this variant in disease. Therefore, it has been classified as a Variant of Uncertain Significance. Algorithms developed to predict the effect of missense changes on protein structure and function output the following: SIFT: "Tolerated"; PolyPhen-2: "Not Available"; Align-GVGD: "Class C0". The arginine amino acid residue is found in multiple mammalian species, which suggests that this missense change does not adversely affect protein function. This variant has not been reported in the literature in individuals affected with CDH23-related conditions. This variant is present in population databases (rs778556511, gnomAD 0.003%). This sequence change replaces lysine, which is basic and polar, with arginine, which is basic and polar, at codon 2640 of the CDH23 protein (p.Lys2640Arg).